The following is an entry in ClinVar:

ClinVar aggregate classification (germline): Benign (1 of 4 stars; one submission).

Conditions:
Congenital fibrosis of extraocular muscles type 1. Also called: OPHTHALMOPLEGIA, CONGENITAL; FEOM1 LOCUS; BLEPHAROPTOSIS WITH ABSENT EYE MOVEMENTS; CFEOM3B. Identifiers: MedGen C1851102, MONDO:0021083, OMIM 135700.

Allele frequency attached by ClinVar (database versions not stated): TOPMed 0.00003; 1000 Genomes Project 30x 0.00016; gnomAD exomes 0.00006; gnomAD 0.00001 and 0.00003; 1000 Genomes Project 0.00020; ExAC 0.00005.
gnomAD v4.1: 14 of 1,614,076 alleles (0.00087%); highest among the groups gnomAD compares: East Asian, 0.027%; no homozygotes.

Submission:

Illumina Laboratory Services, Illumina
Classification: Benign for Congenital fibrosis of extraocular muscles type 1. Last evaluated: 2018-01-13. Review status: criteria provided, single submitter. Criteria: ICSL Variant Classification Criteria 13 December 2019. Collection method: clinical testing. Allele origin: germline.
Comment: This variant was observed in the ICSL laboratory as part of a predisposition screen in an ostensibly healthy population. It had not been previously curated by ICSL or reported in the Human Gene Mutation Database (HGMD: prior to June 1st, 2018), and was therefore a candidate for classification through an automated scoring system. Utilizing variant allele frequency, disease prevalence and penetrance estimates, and inheritance mode, an automated score was calculated to assess if this variant is too frequent to cause the disease. Based on the score and internal cut-off values, a variant classified as benign is not then subjected to further curation. The score for this variant resulted in a classification of benign for this disease.

NM_001173464.2(KIF21A):c.1104T>G (p.Ala368=)

Gene: KIF21A (kinesin family member 21A; minus strand). Cytogenetic location: 12q12.
Variant type: single nucleotide variant.
Coding change: c.1104T>G on transcript NM_001173464.2 (MANE Select); coding-DNA position 1104, T replaced by G.
Protein change: p.Ala368=; no amino-acid change (alanine 368 retained).
Molecular consequence: synonymous variant.
Genome position (GRCh38, 1-based): chr12:39,358,289, A>C on the plus strand (T>G on the coding strand, the complement: KIF21A is on the minus strand). VCF-style: chr12-39358289-A-C. GRCh37 (hg19) VCF-style: chr12-39752091-A-C.
Other names: c.1104T>G, p.Ala368= (NM_001173463.2, NM_001173465.2, NM_001378439.1 and 3 more transcripts).
Identifiers: ClinVar variation 881092 (VCV000881092.4), dbSNP rs187327535, ClinGen allele CA6511111.
Genomic context (GRCh38, chr12:39,358,289, plus strand): 5'-TGCATTGATTTGCTGACTAGCTCTGTCCTGATTGACCATCACCTTATTCTTGATATTTCT[A>C]GCTCGATTGGCGTATTTCAGGGTGTTTAACGTTTCCATAAAGTCTCTGTCTGAAGGGCTG-3'
Protein context (NP_001166935.1, residues 358-378): TLNTLKYANR[Ala368=]RNIKNKVMVN